The following is an entry in ClinVar:

NM_005585.5(SMAD6):c.511G>T (p.Glu171Ter)

Gene: SMAD6 (SMAD family member 6; plus strand). Cytogenetic location: 15q22.31.
Variant type: single nucleotide variant.
Coding change: c.511G>T on transcript NM_005585.5 (MANE Select); coding-DNA position 511, G replaced by T.
Protein change: p.Glu171Ter; replaces glutamic acid 171 with a stop codon.
Molecular consequence: nonsense. On other transcripts: non-coding transcript variant (1).
Genome position (GRCh38, 1-based): chr15:66,703,769, G>T. VCF-style: chr15-66703769-G-T. GRCh37 (hg19) VCF-style: chr15-66996107-G-T.
Other names: short protein forms E171*.
Identifiers: ClinVar variation 1028402 (VCV001028402.4), dbSNP rs1893037722, ClinGen allele CA392949692.

ClinVar aggregate classification (germline): Conflicting classifications of pathogenicity. Review status: criteria provided, conflicting classifications (1 of 4 stars). 2 submissions from 2 submitters: Likely pathogenic (1); Uncertain significance (1). Last evaluated 2023-12-11.

Conditions:
Aortic valve disease 2 (AOVD2). Identifiers: MedGen C3542024, MONDO:0013902, OMIM 614823.

Allele frequency attached by ClinVar (database versions not stated): TOPMed below 0.00001.
gnomAD v4.1: 2 of 1,423,700 alleles (0.00014%); highest among the groups gnomAD compares: Non-Finnish European, 0.00019%; no homozygotes.

Submissions (2):

Labcorp Genetics (formerly Invitae), Labcorp
Classification: Uncertain significance for Aortic valve disease 2. Last evaluated: 2023-12-11. Review status: criteria provided, single submitter. Criteria: Invitae Variant Classification Sherloc (09022015). Collection method: clinical testing. Allele origin: germline.
Comment: This sequence change creates a premature translational stop signal (p.Glu171*) in the SMAD6 gene. It is expected to result in an absent or disrupted protein product. However, the current clinical and genetic evidence is not sufficient to establish whether loss-of-function variants in SMAD6 cause disease. This variant is not present in population databases (gnomAD no frequency). This variant has not been reported in the literature in individuals affected with SMAD6-related conditions. ClinVar contains an entry for this variant (Variation ID: 1028402). In summary, the available evidence is currently insufficient to determine the role of this variant in disease. Therefore, it has been classified as a Variant of Uncertain Significance.

Baylor Genetics
Classification: Likely pathogenic for Aortic valve disease 2. Last evaluated: 2020-10-14. Review status: criteria provided, single submitter. Criteria: ACMG Guidelines, 2015. Collection method: clinical testing. Allele origin: unknown. Affected: yes.
Comment: This variant was determined to be likely pathogenic according to ACMG Guidelines, 2015 [PMID:25741868].